The following is an entry in ClinVar:

NM_017570.5(OPLAH):c.2344C>A (p.Leu782Met)

Gene: OPLAH (5-oxoprolinase, ATP-hydrolysing; minus strand). Cytogenetic location: 8q24.3.
Variant type: single nucleotide variant.
Coding change: c.2344C>A on transcript NM_017570.5 (MANE Select); coding-DNA position 2344, C replaced by A.
Protein change: p.Leu782Met; replaces leucine 782 with methionine.
Molecular consequence: missense variant.
Genome position (GRCh38, 1-based): chr8:144,055,094, G>T on the plus strand (C>A on the coding strand, the complement: OPLAH is on the minus strand). VCF-style: chr8-144055094-G-T. GRCh37 (hg19) VCF-style: chr8-145109997-G-T.
Other names: short protein forms L782M.
Identifiers: ClinVar variation 2012312 (VCV002012312.4), dbSNP rs2540250727, ClinGen allele CA372546964.

ClinVar aggregate classification (germline): Uncertain significance (1 of 4 stars; one submission).

Conditions:
5-Oxoprolinase deficiency (OPLAHD). Also called: 5-OXOPROLINURIA DUE TO 5-OXOPROLINASE DEFICIENCY. Identifiers: Orphanet 33572, MedGen C0268525, MONDO:0009825, OMIM 260005, HP:0040142.

Allele frequency attached by ClinVar (database versions not stated): gnomAD exomes below 0.00001.
gnomAD v4.1: 3 of 1,576,646 alleles (0.00019%); highest among the groups gnomAD compares: South Asian, 0.0024%; no homozygotes.

Submission:

Labcorp Genetics (formerly Invitae), Labcorp
Classification: Uncertain significance for 5-Oxoprolinase deficiency. Last evaluated: 2024-12-02. Review status: criteria provided, single submitter. Criteria: Invitae Variant Classification Sherloc (09022015). Collection method: clinical testing. Allele origin: germline.
Comment: This sequence change replaces leucine, which is neutral and non-polar, with methionine, which is neutral and non-polar, at codon 782 of the OPLAH protein (p.Leu782Met). This variant is not present in population databases (gnomAD no frequency). This variant has not been reported in the literature in individuals affected with OPLAH-related conditions. ClinVar contains an entry for this variant (Variation ID: 2012312). Experimental studies and prediction algorithms are not available or were not evaluated, and the functional significance of this variant is currently unknown. In summary, the available evidence is currently insufficient to determine the role of this variant in disease. Therefore, it has been classified as a Variant of Uncertain Significance.